The following is an entry in ClinVar:

ClinVar aggregate classification (germline): Uncertain significance (1 of 4 stars; one submission).

Conditions:
Hereditary cancer-predisposing syndrome. Also called: Tumor predisposition; Hereditary Cancer Syndrome; Neoplastic Syndromes, Hereditary; Hereditary neoplastic syndrome. Identifiers: Orphanet 140162, MedGen C0027672, MeSH D009386, MONDO:0015356.

Submission:

Color Diagnostics, LLC DBA Color Health
Classification: Uncertain significance for Hereditary cancer-predisposing syndrome. Last evaluated: 2025-08-22. Review status: criteria provided, single submitter. Criteria: ACMG Guidelines, 2015. Collection method: clinical testing. Allele origin: germline.
Comment: This missense variant replaces arginine with serine at codon 294 of the BARD1 protein. Computational prediction suggests that this variant may not impact protein structure and function. To our knowledge, functional studies have not been reported for this variant. This variant has not been reported in individuals affected with BARD1-related disorders in the literature. This variant has not been identified in the general population by the Genome Aggregation Database (gnomAD). The available evidence is insufficient to determine the role of this variant in disease conclusively. Therefore, this variant is classified as a Variant of Uncertain Significance.

NM_000465.4(BARD1):c.882G>C (p.Arg294Ser)

Gene: BARD1 (BRCA1 associated RING domain 1; minus strand). Cytogenetic location: 2q35.
Variant type: single nucleotide variant.
Coding change: c.882G>C on transcript NM_000465.4 (MANE Select); coding-DNA position 882, G replaced by C.
Protein change: p.Arg294Ser; replaces arginine 294 with serine.
Molecular consequence: missense variant. On other transcripts: non-coding transcript variant (2), intron variant (3).
Genome position (GRCh38, 1-based): chr2:214,780,992, C>G on the plus strand (G>C on the coding strand, the complement: BARD1 is on the minus strand). VCF-style: chr2-214780992-C-G. GRCh37 (hg19) VCF-style: chr2-215645716-C-G.
Other names: c.825G>C, p.Arg275Ser (NM_001282543.2); c.158+28420G>C (NM_001282548.2); c.215+16069G>C (NM_001282545.2); c.364+11305G>C (NM_001282549.2); short protein forms R275S, R294S.
Identifiers: ClinVar variation 4758080 (VCV004758080.1).
Genomic context (GRCh38, chr2:214,780,992, plus strand): 5'-CAAAGATTTCTTAGATGTAAGATAATTTTTGCAGACCTTCTCAGGAGTCACTACTTCATT[C>G]CTGCTCTTAGTGTCTGGAGACTCTATTTGCTCAGCCAATGGTAAAGAGACTTCAGTTAAA-3'
Protein context (NP_000456.2, residues 284-304): EQIESPDTKS[Arg294Ser]NEVVTPEKVC